The following is an entry in ClinVar:

NM_001384140.1(PCDH15):c.1998-2A>G

Gene: PCDH15 (protocadherin related 15; minus strand). Cytogenetic location: 10q21.1.
Variant type: single nucleotide variant.
Coding change: c.1998-2A>G on transcript NM_001384140.1 (MANE Select); the canonical splice acceptor site of the intron before coding-DNA position 1998, A replaced by G.
Molecular consequence: splice acceptor variant.
Genome position (GRCh38, 1-based): chr10:54,079,426, T>C on the plus strand (A>G on the coding strand, the complement: PCDH15 is on the minus strand). VCF-style: chr10-54079426-T-C. GRCh37 (hg19) VCF-style: chr10-55839186-T-C.
Other names: c.1998-2A>G (NM_001354420.2, NM_001354429.2, NM_001142772.2 and 5 more transcripts); c.2013-2A>G (NM_001142771.2, NM_001142763.2); c.2019-2A>G (NM_001354411.2); c.2034-2A>G (NM_001142769.3); c.1932-2A>G (NM_001354404.2, NM_001142773.2, NM_001142768.2); c.1887-2A>G (NM_001142767.2); c.1785-2A>G (NM_001142765.2).
Identifiers: ClinVar variation 46449 (VCV000046449.18), dbSNP rs397517452, ClinGen allele CA261843.

ClinVar aggregate classification (germline): Pathogenic/Likely pathogenic. Review status: criteria provided, multiple submitters, no conflicts (2 of 4 stars). 6 submissions from 6 submitters: Pathogenic (2); Likely pathogenic (3). 1 of the submissions does not count toward it. Last evaluated 2025-11-24.

Conditions:
Rare genetic deafness. Identifiers: Orphanet 96210, MedGen C5680250.
Usher syndrome type 1F (USH1F). Also called: USHER SYNDROME, TYPE IF. Identifiers: Orphanet 231169, Orphanet 886, MedGen C1865885, MONDO:0011186, OMIM 602083.
Autosomal recessive nonsyndromic hearing loss 23. Identifiers: Orphanet 90636, MedGen C1836027, MONDO:0012293, OMIM 609533.

Allele frequency attached by ClinVar (database versions not stated): gnomAD exomes below 0.00001.
gnomAD v4.1: 1 of 1,613,282 alleles (0.000062%); highest among the groups gnomAD compares: Non-Finnish European, 0.000085%; no homozygotes.

Submissions (6):

Natera, Inc.
Classification: Likely pathogenic for Usher syndrome type 1F. Last evaluated: 2025-11-24. Review status: criteria provided, single submitter. Criteria: Natera Variant Classification Schema (03/2026). Collection method: clinical testing. Allele origin: germline.
Comment: The c.1998-2A>G variant in PCDH15 is a canonical splice acceptor site variant predicted to affect pre-mRNA splicing, which may result in an abnormal transcript and altered protein product. This variant is expected to result in nonsense mediated decay, truncation, or a dysfunctional protein product. This variant is rare in the general population with a frequency below the threshold expected for the associated phenotype(s). Given the available evidence, this variant is classified as Likely Pathogenic.

Myriad Genetics, Inc.
Classification: Likely pathogenic for Usher syndrome type 1F. Last evaluated: 2025-09-08. Review status: criteria provided, single submitter. Criteria: Myriad Autosomal Dominant, Autosomal Recessive and X-Linked Classification Criteria (2023). Collection method: clinical testing. Allele origin: unknown.
Comment: NM_033056.3(PCDH15):c.1998-2A>G is a variant in a canonical splice site classified as likely pathogenic in the context of PCDH15-related disorders. c.1998-2A>G has not been observed in cases with relevant disease. Relevant functional assessments of this variant are not available in the literature. c.1998-2A>G has not been observed in referenced population frequency databases. In summary, NM_033056.3(PCDH15):c.1998-2A>G is a variant in a canonical splice site in a gene where loss of function is a known mechanism of disease and is predicted to disrupt protein function. Please note: this variant was assessed in the context of healthy population screening.

Baylor Genetics
Classification: Pathogenic for Autosomal recessive nonsyndromic hearing loss 23. Last evaluated: 2022-03-22. Review status: criteria provided, single submitter. Criteria: ACMG Guidelines, 2015. Collection method: clinical testing. Allele origin: unknown.

Labcorp Genetics (formerly Invitae), Labcorp
Classification: Likely pathogenic. Last evaluated: 2022-02-08. Review status: criteria provided, single submitter. Criteria: Invitae Variant Classification Sherloc (09022015). Collection method: clinical testing. Allele origin: germline.
Comment: This sequence change affects an acceptor splice site in intron 16 of the PCDH15 gene. It is expected to disrupt RNA splicing. Variants that disrupt the donor or acceptor splice site typically lead to a loss of protein function (PMID: 16199547), and loss-of-function variants in PCDH15 are known to be pathogenic (PMID: 11398101, 11487575, 14570705). This variant is not present in population databases (gnomAD no frequency). This variant has not been reported in the literature in individuals affected with PCDH15-related conditions. ClinVar contains an entry for this variant (Variation ID: 46449). Algorithms developed to predict the effect of sequence changes on RNA splicing suggest that this variant may disrupt the consensus splice site. In summary, the currently available evidence indicates that the variant is pathogenic, but additional data are needed to prove that conclusively. Therefore, this variant has been classified as Likely Pathogenic.

Laboratory for Molecular Medicine, Mass General Brigham Personalized Medicine
Classification: Pathogenic for Rare genetic deafness. Last evaluated: 2012-04-30. Review status: criteria provided, single submitter. Criteria: LMM Criteria. Collection method: clinical testing. Allele origin: germline. Inheritance: Autosomal recessive inheritance. Observed: 1 variant allele.
Comment: The 1998-2A>G variant (PCDH15) has not been reported in the literature nor previ ously identified by our laboratory. This variant occurs in the invariant region (+/- 1/2) of the splice consensus sequence and is predicted to cause altered spl icing leading to an abnormal or absent protein. In summary, this variant meets our criteria to be classified as pathogenic.

Counsyl
Classification: Likely pathogenic for Usher syndrome type 1F. Last evaluated: 2017-11-21. Review status: no assertion criteria provided. Collection method: clinical testing. Allele origin: unknown. Not counted in ClinVar's aggregate classification.

Literature cited by the submitters: PubMed 16199547 (cited by Labcorp Genetics (formerly Invitae), Labcorp); PubMed 11398101 (cited by Labcorp Genetics (formerly Invitae), Labcorp); PubMed 11487575 (cited by Labcorp Genetics (formerly Invitae), Labcorp); PubMed 14570705 (cited by Labcorp Genetics (formerly Invitae), Labcorp).